The following is an entry in ClinVar:

NM_000440.3(PDE6A):c.2182T>C (p.Trp728Arg)

Gene: PDE6A (phosphodiesterase 6A; minus strand). Cytogenetic location: 5q32.
Variant type: single nucleotide variant.
Coding change: c.2182T>C on transcript NM_000440.3 (MANE Select); coding-DNA position 2182, T replaced by C.
Protein change: p.Trp728Arg; replaces tryptophan 728 with arginine.
Molecular consequence: missense variant.
Genome position (GRCh38, 1-based): chr5:149,868,112, A>G on the plus strand (T>C on the coding strand, the complement: PDE6A is on the minus strand). VCF-style: chr5-149868112-A-G. GRCh37 (hg19) VCF-style: chr5-149247675-A-G.
Other names: short protein forms W728R.
Identifiers: ClinVar variation 936392 (VCV000936392.11), dbSNP rs143980724, ClinGen allele CA3504381.

ClinVar aggregate classification (germline): Uncertain significance. Review status: criteria provided, multiple submitters, no conflicts (2 of 4 stars). 4 submissions from 4 submitters: Uncertain significance (4). Last evaluated 2026-08-26.

Conditions:
Inborn genetic diseases. Identifiers: MedGen C0950123, MeSH D030342.
PDE6A-related disorder. Also called: PDE6A-related condition.

Allele frequency attached by ClinVar (database versions not stated): ESP Exome Variant Server 0.00015; gnomAD 0.00015 and 0.00016; TOPMed 0.00024.
gnomAD v4.1: 44 of 1,614,006 alleles (0.0027%); highest among the groups gnomAD compares: African/African-American, 0.057%; no homozygotes.

Submissions (4):

PreventionGenetics, part of Exact Sciences
Classification: Uncertain significance for PDE6A-related condition. Last evaluated: 2026-08-26. Review status: criteria provided, single submitter. Criteria: ACMG Guidelines, 2015. Collection method: clinical testing. Allele origin: germline.
Comment: The PDE6A c.2182T>C variant is predicted to result in the amino acid substitution p.Trp728Arg. To our knowledge, this variant has not been reported in the literature. This variant is reported in 0.060% of alleles in individuals of African descent in gnomAD, which may be too frequent to be a primary cause of disease. Although we suspect that this variant may be benign, at this time, the clinical significance of this variant is uncertain due to the absence of conclusive functional and genetic evidence.

Ambry Genetics
Classification: Uncertain significance for Inborn genetic diseases. Last evaluated: 2024-11-20. Review status: criteria provided, single submitter. Criteria: Ambry Variant Classification Scheme 2023. Collection method: clinical testing. Allele origin: germline.

Blueprint Genetics
Classification: Uncertain significance. Last evaluated: 2024-05-02. Review status: criteria provided, single submitter. Criteria: ACMG Guidelines, 2015. Collection method: clinical testing. Allele origin: germline.

Labcorp Genetics (formerly Invitae), Labcorp
Classification: Uncertain significance. Last evaluated: 2024-02-24. Review status: criteria provided, single submitter. Criteria: Invitae Variant Classification Sherloc (09022015). Collection method: clinical testing. Allele origin: germline.
Comment: This sequence change replaces tryptophan, which is neutral and slightly polar, with arginine, which is basic and polar, at codon 728 of the PDE6A protein (p.Trp728Arg). This variant is present in population databases (rs143980724, gnomAD 0.06%). This variant has not been reported in the literature in individuals affected with PDE6A-related conditions. ClinVar contains an entry for this variant (Variation ID: 936392). Advanced modeling of protein sequence and biophysical properties (such as structural, functional, and spatial information, amino acid conservation, physicochemical variation, residue mobility, and thermodynamic stability) performed at Invitae indicates that this missense variant is expected to disrupt PDE6A protein function with a positive predictive value of 80%. In summary, the available evidence is currently insufficient to determine the role of this variant in disease. Therefore, it has been classified as a Variant of Uncertain Significance.